The following is an entry in ClinVar:

ClinVar aggregate classification (germline): Uncertain significance. Review status: criteria provided, multiple submitters, no conflicts (2 of 4 stars). 3 submissions from 3 submitters: Uncertain significance (3). Last evaluated 2024-12-02.

Conditions:
Hereditary cancer-predisposing syndrome. Also called: Tumor predisposition; Neoplastic Syndromes, Hereditary; Hereditary Cancer Syndrome; Hereditary neoplastic syndrome. Identifiers: Orphanet 140162, MedGen C0027672, MeSH D009386, MONDO:0015356.
Ataxia-telangiectasia syndrome (AT). Also called: ATAXIA-TELANGIECTASIA, COMPLEMENTATION GROUP A; ATAXIA-TELANGIECTASIA, FRESNO VARIANT; Ataxia-telangiectasia; Ataxia-telangiectasia, complementation group D; AT, COMPLEMENTATION GROUP C; Ataxia-telangiectasia, complementation group E. Identifiers: Orphanet 100, MedGen C0004135, MONDO:0008840, OMIM 208900.

gnomAD v4.1: 1 of 1,614,014 alleles (0.000062%); highest among the groups gnomAD compares: Non-Finnish European, 0.000085%; no homozygotes.

Submissions (3):

Ambry Genetics
Classification: Uncertain significance for Hereditary cancer-predisposing syndrome. Last evaluated: 2024-12-02. Review status: criteria provided, single submitter. Criteria: Ambry Variant Classification Scheme 2023. Collection method: clinical testing. Allele origin: germline.
Comment: The p.D2569N variant (also known as c.7705G>A), located in coding exon 51 of the ATM gene, results from a G to A substitution at nucleotide position 7705. The aspartic acid at codon 2569 is replaced by asparagine, an amino acid with highly similar properties. This amino acid position is highly conserved in available vertebrate species. In addition, this alteration is predicted to be tolerated by in silico analysis. Based on the available evidence, the clinical significance of this variant remains unclear.

CeGaT Center for Human Genetics Tuebingen
Classification: Uncertain significance. Last evaluated: 2024-03-01. Review status: criteria provided, single submitter. Criteria: CeGaT Center For Human Genetics Tuebingen Variant Classification Criteria Version 2. Collection method: clinical testing. Allele origin: germline. Affected: yes. Observed: 1 variant allele.
Comment: ATM: PM2, PM3:Supporting

Labcorp Genetics (formerly Invitae), Labcorp
Classification: Uncertain significance for Ataxia-telangiectasia syndrome. Last evaluated: 2023-12-06. Review status: criteria provided, single submitter. Criteria: Invitae Variant Classification Sherloc (09022015). Collection method: clinical testing. Allele origin: germline.
Comment: This sequence change replaces aspartic acid, which is acidic and polar, with asparagine, which is neutral and polar, at codon 2569 of the ATM protein (p.Asp2569Asn). This variant is not present in population databases (gnomAD no frequency). This variant has not been reported in the literature in individuals affected with ATM-related conditions. ClinVar contains an entry for this variant (Variation ID: 858843). An algorithm developed to predict the effect of missense changes on protein structure and function (PolyPhen-2) suggests that this variant is likely to be disruptive. In summary, the available evidence is currently insufficient to determine the role of this variant in disease. Therefore, it has been classified as a Variant of Uncertain Significance.

NM_000051.4(ATM):c.7705G>A (p.Asp2569Asn)

Genes: ATM (ATM serine/threonine kinase; plus strand), C11orf65 (chromosome 11 open reading frame 65; minus strand). Cytogenetic location: 11q22.3.
Variant type: single nucleotide variant.
Coding change: c.7705G>A on transcript NM_000051.4 (MANE Select); coding-DNA position 7705, G replaced by A.
Protein change: p.Asp2569Asn; replaces aspartic acid 2569 with asparagine.
Molecular consequence: missense variant. On other transcripts: intron variant (2).
Genome position (GRCh38, 1-based): chr11:108,331,954, G>A. VCF-style: chr11-108331954-G-A. GRCh37 (hg19) VCF-style: chr11-108202681-G-A.
Other names: c.7705G>A, p.Asp2569Asn (NM_001351834.2); c.641-22883C>T (NM_001330368.2); c.*38+3266C>T (NM_001351110.2); short protein forms D2569N.
Identifiers: ClinVar variation 858843 (VCV000858843.30), dbSNP rs898880638, ClinGen allele CA228418734.
Genomic context (GRCh38, chr11:108,331,954, plus strand): 5'-TCAATGGATCACCCCCATCACACTTTGTTTATTATACTGGCCTTAGCAAATGCAAACAGA[G>A]ATGAATTTCTGACTAAACCAGAGGTAGCCAGAAGAAGCAGAATAACTAAAAATGTGCCTA-3'
Protein context (NP_000042.3, residues 2559-2579): IILALANANR[Asp2569Asn]EFLTKPEVAR